The following is an entry in ClinVar:

ClinVar aggregate classification (germline): Pathogenic (1 of 4 stars; one submission).

Submission:

CeGaT Center for Human Genetics Tuebingen
Classification: Pathogenic. Last evaluated: 2025-04-01. Review status: criteria provided, single submitter. Criteria: CeGaT Center For Human Genetics Tuebingen Variant Classification Criteria Version 2. Collection method: clinical testing. Allele origin: germline. Affected: yes. Observed: 1 variant allele.
Comment: DDX3X: PVS1, PM2, PS2:Moderate

NM_001356.5(DDX3X):c.829G>T (p.Glu277Ter)

Gene: DDX3X (DEAD-box helicase 3 X-linked; plus strand). Cytogenetic location: Xp11.4.
Variant type: single nucleotide variant.
Coding change: c.829G>T on transcript NM_001356.5 (MANE Select); coding-DNA position 829, G replaced by T.
Protein change: p.Glu277Ter; replaces glutamic acid 277 with a stop codon.
Molecular consequence: nonsense. On other transcripts: non-coding transcript variant (1).
Genome position (GRCh38, 1-based): chrX:41,344,093, G>T. VCF-style: chrX-41344093-G-T. GRCh37 (hg19) VCF-style: chrX-41203346-G-T.
Other names: c.829G>T, p.Glu277Ter (NM_001193416.3); c.781G>T, p.Glu261Ter (NM_001193417.3); c.271G>T, p.Glu91Ter (NM_001363819.1); short protein forms E261*, E277*, E91*.
Identifiers: ClinVar variation 3898689 (VCV003898689.7).